The following is an entry in ClinVar:

ClinVar aggregate classification (germline): Uncertain significance. Review status: criteria provided, multiple submitters, no conflicts (2 of 4 stars). 4 submissions from 4 submitters: Uncertain significance (4). Last evaluated 2025-06-27.

Conditions:
Hereditary cancer-predisposing syndrome. Also called: Tumor predisposition; Hereditary Cancer Syndrome; Hereditary neoplastic syndrome; Neoplastic Syndromes, Hereditary. Identifiers: Orphanet 140162, MedGen C0027672, MeSH D009386, MONDO:0015356.
Classic or attenuated familial adenomatous polyposis. Identifiers: MedGen CN372698, MONDO:0021057.
Familial adenomatous polyposis 1 (FAP1). Also called: FAMILIAL ADENOMATOUS POLYPOSIS 1, ATTENUATED; POLYPOSIS, ADENOMATOUS INTESTINAL. Identifiers: MedGen C2713442, MONDO:0021056, OMIM 175100. Disease mechanism: loss of function.

Allele frequency attached by ClinVar (database versions not stated): gnomAD exomes below 0.00001; TOPMed below 0.00001; gnomAD 0.00001.
gnomAD v4.1: 2 of 1,614,024 alleles (0.00012%); highest among the groups gnomAD compares: Admixed American, 0.0033%; no homozygotes.

Submissions (4):

Labcorp Genetics (formerly Invitae), Labcorp
Classification: Uncertain significance for Familial adenomatous polyposis 1. Last evaluated: 2025-06-27. Review status: criteria provided, single submitter. Criteria: Invitae Variant Classification Sherloc (09022015). Collection method: clinical testing. Allele origin: germline.
Comment: This sequence change replaces isoleucine, which is neutral and non-polar, with valine, which is neutral and non-polar, at codon 1662 of the APC protein (p.Ile1662Val). This variant is not present in population databases (gnomAD no frequency). This variant has not been reported in the literature in individuals affected with APC-related conditions. ClinVar contains an entry for this variant (Variation ID: 537460). Invitae Evidence Modeling of protein sequence and biophysical properties (such as structural, functional, and spatial information, amino acid conservation, physicochemical variation, residue mobility, and thermodynamic stability) indicates that this missense variant is not expected to disrupt APC protein function with a negative predictive value of 95%. In summary, the available evidence is currently insufficient to determine the role of this variant in disease. Therefore, it has been classified as a Variant of Uncertain Significance.

All of Us Research Program, National Institutes of Health
Classification: Uncertain significance for Classic or attenuated familial adenomatous polyposis. Last evaluated: 2024-06-11. Review status: criteria provided, single submitter. Criteria: ACMG Guidelines, 2015. Collection method: clinical testing. Allele origin: germline. Inheritance: Autosomal dominant inheritance. Observed: 2 variant alleles, 2 heterozygotes.
Comment: This missense variant replaces isoleucine with valine at codon 1662 of the APC protein. Computational prediction suggests that this variant may not impact protein structure and function (internally defined REVEL score threshold <= 0.5, PMID: 27666373). To our knowledge, functional studies have not been reported for this variant. This variant has not been reported in individuals affected with hereditary cancer in the literature. This variant has not been identified in the general population by the Genome Aggregation Database (gnomAD). The available evidence is insufficient to determine the role of this variant in disease conclusively. Therefore, this variant is classified as a Variant of Uncertain Significance.

This study involves interpretation of variants in research participants for the purpose of population health screening. Participant phenotype was not available at the time of variant classification. Additional details can be found in publication PMID: 35346344, PMCID: PMC8962531

Color Diagnostics, LLC DBA Color Health
Classification: Uncertain significance for Hereditary cancer-predisposing syndrome. Last evaluated: 2024-03-06. Review status: criteria provided, single submitter. Criteria: ACMG Guidelines, 2015. Collection method: clinical testing. Allele origin: germline.
Comment: This missense variant replaces isoleucine with valine at codon 1662 of the APC protein. Computational prediction suggests that this variant may not impact protein structure and function (internally defined REVEL score threshold <= 0.5, PMID: 27666373). To our knowledge, functional studies have not been reported for this variant. This variant has not been reported in individuals affected with hereditary cancer in the literature. This variant has not been identified in the general population by the Genome Aggregation Database (gnomAD). The available evidence is insufficient to determine the role of this variant in disease conclusively. Therefore, this variant is classified as a Variant of Uncertain Significance.

Ambry Genetics
Classification: Uncertain significance for Hereditary cancer-predisposing syndrome. Last evaluated: 2023-06-29. Review status: criteria provided, single submitter. Criteria: Ambry Variant Classification Scheme 2023. Collection method: clinical testing. Allele origin: germline.
Comment: The p.I1662V variant (also known as c.4984A>G), located in coding exon 15 of the APC gene, results from an A to G substitution at nucleotide position 4984. The isoleucine at codon 1662 is replaced by valine, an amino acid with highly similar properties. This amino acid position is conserved. In addition, in silico predictors for this gene do not accurately predict pathogenicity. Since supporting evidence is limited at this time, the clinical significance of this alteration remains unclear.

NM_000038.6(APC):c.4984A>G (p.Ile1662Val)

Gene: APC (APC regulator of Wnt signaling pathway; plus strand). Cytogenetic location: 5q22.2.
Variant type: single nucleotide variant.
Coding change: c.4984A>G on transcript NM_000038.6 (MANE Select); coding-DNA position 4984, A replaced by G.
Protein change: p.Ile1662Val; replaces isoleucine 1662 with valine.
Molecular consequence: missense variant.
Genome position (GRCh38, 1-based): chr5:112,840,578, A>G. VCF-style: chr5-112840578-A-G. GRCh37 (hg19) VCF-style: chr5-112176275-A-G.
Other names: c.4984A>G, p.Ile1662Val (NM_001127510.3, NM_001354895.2); c.4930A>G, p.Ile1644Val (NM_001127511.3); c.5038A>G, p.Ile1680Val (NM_001354896.2); c.5014A>G, p.Ile1672Val (NM_001354897.2); c.4909A>G, p.Ile1637Val (NM_001354898.2); c.4900A>G, p.Ile1634Val (NM_001354899.2); c.4861A>G, p.Ile1621Val (NM_001354900.2); c.4807A>G, p.Ile1603Val (NM_001354901.2); and 5 more; short protein forms I1662V, I1644V, I1379V, I1502V, I1536V, I1561V, I1634V, I1621V.
Identifiers: ClinVar variation 537460 (VCV000537460.57), dbSNP rs1434584091, ClinGen allele CA16032240.
Genomic context (GRCh38, chr5:112,840,578, plus strand): 5'-TATTGTGTTGAAGGGACACCTATAAACTTTTCCACAGCTACATCTCTAAGTGATCTAACA[A>G]TCGAATCCCCTCCAAATGAGTTAGCTGCTGGAGAAGGAGTTAGAGGAGGGGCACAGTCAG-3'
Protein context (NP_000029.2, residues 1652-1672): STATSLSDLT[Ile1662Val]ESPPNELAAG